The following is an entry in ClinVar:

ClinVar aggregate classification (germline): Pathogenic (1 of 4 stars; one submission).

Submission:

Labcorp Genetics (formerly Invitae), Labcorp
Classification: Pathogenic. Last evaluated: 2022-12-02. Review status: criteria provided, single submitter. Criteria: Invitae Variant Classification Sherloc (09022015). Collection method: clinical testing. Allele origin: germline.
Comment: For these reasons, this variant has been classified as Pathogenic. Isolated whole-gene deletions of HOXD13 have not been reported in the literature. However, larger copy number events that include this gene have been reported (PMID: 11778160). A gross deletion of the genomic region encompassing the full coding sequence of the HOXD13 gene has been identified. Loss-of-function variants in HOXD13 are known to be pathogenic (PMID: 18399101, 21782042, 21814222, 27254532). The boundaries of this event are unknown as they extend beyond the assayed region for this gene and therefore may encompass additional genes.

Literature cited by the submitters: PubMed 11778160; PubMed 18399101; PubMed 21782042; PubMed 21814222; PubMed 27254532.

NC_000002.11:g.(?_176957619)_(176973870_?)del

Genes: HOXD11 (homeobox D11; plus strand), HOXD12 (homeobox D12; plus strand), HOXD13 (homeobox D13; plus strand). Cytogenetic location: 2q31.1.
Variant type: Deletion.
Identifiers: ClinVar variation 2423203 (VCV002423203.4).